The following is an entry in ClinVar:

ClinVar aggregate classification (germline): Likely benign (1 of 4 stars; one submission).

Conditions:
Neurodevelopmental disorder with progressive spasticity and brain white matter abnormalities. Also called: CEREBRAL PALSY, SPASTIC QUADRIPLEGIC, 1. Identifiers: Orphanet 210141, Orphanet 641353, MedGen C5436628, MONDO:0033613, OMIM 619026.

Allele frequency attached by ClinVar (database versions not stated): gnomAD 0.00002 and 0.00023; TOPMed 0.00003; gnomAD exomes 0.00003; 1000 Genomes Project 0.00220; 1000 Genomes Project 30x 0.00203.

Submission:

Illumina Laboratory Services, Illumina
Classification: Likely benign. Last evaluated: 2018-01-12. Review status: criteria provided, single submitter. Criteria: ICSL Variant Classification Criteria 13 December 2019. Collection method: clinical testing. Allele origin: germline.
Comment: This variant was observed in the ICSL laboratory as part of a predisposition screen in an ostensibly healthy population. It had not been previously curated by ICSL or reported in the Human Gene Mutation Database (HGMD: prior to June 1st, 2018), and was therefore a candidate for classification through an automated scoring system. Utilizing variant allele frequency, disease prevalence and penetrance estimates, and inheritance mode, an automated score was calculated to assess if this variant is too frequent to cause the disease. Based on the score and internal cut-off values, a variant classified as likely benign is not then subjected to further curation. The score for this variant resulted in a classification of likely benign for this disease.

NM_000817.3(GAD1):c.-170G>A

Genes: GAD1 (glutamate decarboxylase 1; plus strand), GAD1-AS1 (GAD1 antisense RNA 1; minus strand), LOC132088794 (Neanderthal introgressed variant-containing enhancer experimental_55930; plus strand). Cytogenetic location: 2q31.1.
Variant type: single nucleotide variant.
Coding change: c.-170G>A on transcript NM_000817.3 (MANE Select); 170 bases upstream of the start codon, G replaced by A.
Molecular consequence: 5 prime UTR variant.
Genome position (GRCh38, 1-based): chr2:170,816,942, G>A. VCF-style: chr2-170816942-G-A. GRCh37 (hg19) VCF-style: chr2-171673452-G-A.
Other names: c.-174G>A (NM_013445.4).
Identifiers: ClinVar variation 332217 (VCV000332217.7), dbSNP rs561714411, ClinGen allele CA10612957.
Genomic context (GRCh38, chr2:170,816,942, plus strand): 5'-TCTCTCTCTTCTCCTGGCGCTCGCGTGCGAGAGGGAACTAGCGAGAACGAGGAAGCAGCT[G>A]GAGGTGACGCCGGGCAGATTACGCCTGTCAGGGCCGAGCCGAGCGGATCGCTGGGCGCTG-3'